The following is an entry in ClinVar:

ClinVar aggregate classification (germline): Benign/Likely benign. Review status: criteria provided, multiple submitters, no conflicts (2 of 4 stars). 2 submissions from 2 submitters: Benign (1); Likely benign (1). Last evaluated 2025-12-15.

Conditions:
CREBBP-related disorder. Also called: CREBBP-related condition; CREBBP-related disorders.
Rubinstein-Taybi syndrome (RSTS). Identifiers: Orphanet 783, MedGen C0035934, MONDO:0019188.

Allele frequency attached by ClinVar (database versions not stated): gnomAD exomes below 0.00001; gnomAD 0.00002; TOPMed 0.00002.
gnomAD v4.1: 6 of 1,602,794 alleles (0.00037%); highest among the groups gnomAD compares: East Asian, 0.0089%; no homozygotes.

Submissions (2):

PreventionGenetics, part of Exact Sciences
Classification: Likely benign for CREBBP-related condition. Last evaluated: 2025-12-15. Review status: criteria provided, single submitter. Criteria: ACMG Guidelines, 2015. Collection method: clinical testing. Allele origin: germline.
Comment: This variant is classified as likely benign based on ACMG/AMP sequence variant interpretation guidelines (Richards et al. 2015 PMID: 25741868, with internal and published modifications).

Labcorp Genetics (formerly Invitae), Labcorp
Classification: Benign for Rubinstein-Taybi syndrome. Last evaluated: 2025-05-19. Review status: criteria provided, single submitter. Criteria: Invitae Variant Classification Sherloc (09022015). Collection method: clinical testing. Allele origin: germline.

NM_004380.3(CREBBP):c.5199T>C (p.Tyr1733=)

Gene: CREBBP (CREB binding lysine acetyltransferase; minus strand). Cytogenetic location: 16p13.3.
Variant type: single nucleotide variant.
Coding change: c.5199T>C on transcript NM_004380.3 (MANE Select); coding-DNA position 5199, T replaced by C.
Protein change: p.Tyr1733=; no amino-acid change (tyrosine 1733 retained).
Molecular consequence: synonymous variant.
Genome position (GRCh38, 1-based): chr16:3,729,848, A>G on the plus strand (T>C on the coding strand, the complement: CREBBP is on the minus strand). VCF-style: chr16-3729848-A-G. GRCh37 (hg19) VCF-style: chr16-3779849-A-G.
Other names: c.5085T>C, p.Tyr1695= (NM_001079846.1); c.5199T>C (NM_004380.2).
Identifiers: ClinVar variation 2163611 (VCV002163611.5), dbSNP rs1249231459, ClinGen allele CA493394342.